The following is an entry in ClinVar:

NM_005585.5(SMAD6):c.332G>A (p.Gly111Glu)

Gene: SMAD6 (SMAD family member 6; plus strand). Cytogenetic location: 15q22.31.
Variant type: single nucleotide variant.
Coding change: c.332G>A on transcript NM_005585.5 (MANE Select); coding-DNA position 332, G replaced by A.
Protein change: p.Gly111Glu; replaces glycine 111 with glutamic acid.
Molecular consequence: missense variant. On other transcripts: non-coding transcript variant (1).
Genome position (GRCh38, 1-based): chr15:66,703,590, G>A. VCF-style: chr15-66703590-G-A. GRCh37 (hg19) VCF-style: chr15-66995928-G-A.
Other names: short protein forms G111E.
Identifiers: ClinVar variation 4631609 (VCV004631609.2).

ClinVar aggregate classification (germline): Uncertain significance. Review status: criteria provided, multiple submitters, no conflicts (2 of 4 stars). 2 submissions from 2 submitters: Uncertain significance (2). Last evaluated 2025-12-21.

Conditions:
Aortic valve disease 2 (AOVD2). Identifiers: MedGen C3542024, MONDO:0013902, OMIM 614823.
Inborn genetic diseases. Identifiers: MedGen C0950123, MeSH D030342.

gnomAD v4.1: 5 of 1,227,362 alleles (0.00041%); highest among the groups gnomAD compares: South Asian, 0.0041%; no homozygotes.

Submissions (2):

Labcorp Genetics (formerly Invitae), Labcorp
Classification: Uncertain significance for Aortic valve disease 2. Last evaluated: 2025-12-21. Review status: criteria provided, single submitter. Criteria: Invitae Variant Classification Sherloc (09022015). Collection method: clinical testing. Allele origin: germline.
Comment: This sequence change replaces glycine, which is neutral and non-polar, with glutamic acid, which is acidic and polar, at codon 111 of the SMAD6 protein (p.Gly111Glu). This variant is not present in population databases (gnomAD no frequency). This variant has not been reported in the literature in individuals affected with SMAD6-related conditions. An algorithm developed to predict the effect of missense changes on protein structure and function (PolyPhen-2) suggests that this variant is likely to be tolerated. In summary, the available evidence is currently insufficient to determine the role of this variant in disease. Therefore, it has been classified as a Variant of Uncertain Significance.

Ambry Genetics
Classification: Uncertain significance for Inborn genetic diseases. Last evaluated: 2025-12-10. Review status: criteria provided, single submitter. Criteria: Ambry Variant Classification Scheme 2023. Collection method: clinical testing. Allele origin: germline.
Comment: The p.G111E variant (also known as c.332G>A), located in coding exon 1 of the SMAD6 gene, results from a G to A substitution at nucleotide position 332. The glycine at codon 111 is replaced by glutamic acid, an amino acid with similar properties. This amino acid position is conserved. In addition, this alteration is predicted to be tolerated by in silico analysis. Based on the available evidence, the clinical significance of this variant remains unclear.